The following is an entry in ClinVar:

ClinVar aggregate classification (germline): Uncertain significance (1 of 4 stars; one submission).

Allele frequency attached by ClinVar (database versions not stated): ExAC 0.00001; gnomAD 0.00001; gnomAD exomes 0.00001; TOPMed 0.00003.
gnomAD v4.1: 12 of 1,614,004 alleles (0.00074%); highest among the groups gnomAD compares: Admixed American, 0.012%; no homozygotes.

Submission:

Labcorp Genetics (formerly Invitae), Labcorp
Classification: Uncertain significance. Last evaluated: 2022-03-11. Review status: criteria provided, single submitter. Criteria: Invitae Variant Classification Sherloc (09022015). Collection method: clinical testing. Allele origin: germline.
Comment: This sequence change replaces threonine, which is neutral and polar, with alanine, which is neutral and non-polar, at codon 24 of the MTTP protein (p.Thr24Ala). This variant is present in population databases (rs752100893, gnomAD 0.006%). This variant has not been reported in the literature in individuals affected with MTTP-related conditions. Algorithms developed to predict the effect of missense changes on protein structure and function are either unavailable or do not agree on the potential impact of this missense change (SIFT: "Tolerated"; PolyPhen-2: "Possibly Damaging"; Align-GVGD: "Class C0"). In summary, the available evidence is currently insufficient to determine the role of this variant in disease. Therefore, it has been classified as a Variant of Uncertain Significance.

NM_001386140.1(MTTP):c.70A>G (p.Thr24Ala)

Gene: MTTP (microsomal triglyceride transfer protein; plus strand). Cytogenetic location: 4q23.
Variant type: single nucleotide variant.
Coding change: c.70A>G on transcript NM_001386140.1 (MANE Select); coding-DNA position 70, A replaced by G.
Protein change: p.Thr24Ala; replaces threonine 24 with alanine.
Molecular consequence: missense variant. On other transcripts: 5 prime UTR variant (1).
Genome position (GRCh38, 1-based): chr4:99,581,913, A>G. VCF-style: chr4-99581913-A-G. GRCh37 (hg19) VCF-style: chr4-100503070-A-G.
Other names: c.70A>G, p.Thr24Ala (NM_000253.4); c.-180A>G (NM_001300785.2); short protein forms T24A.
Identifiers: ClinVar variation 1401551 (VCV001401551.3), dbSNP rs752100893, ClinGen allele CA3021739.